The following is an entry in ClinVar:

NM_004655.4(AXIN2):c.1713-122G>A

Gene: AXIN2 (axin 2; minus strand). Cytogenetic location: 17q24.1.
Variant type: single nucleotide variant.
Coding change: c.1713-122G>A on transcript NM_004655.4 (MANE Select); 122 bases into the intron before coding-DNA position 1713, G replaced by A.
Molecular consequence: intron variant.
Genome position (GRCh38, 1-based): chr17:65,537,185, C>T on the plus strand (G>A on the coding strand, the complement: AXIN2 is on the minus strand). VCF-style: chr17-65537185-C-T. GRCh37 (hg19) VCF-style: chr17-63533303-C-T.
Other names: c.1712+139G>A (NM_001363813.1).
Identifiers: ClinVar variation 676465 (VCV000676465.2), dbSNP rs34755285, ClinGen allele CA14492490.

ClinVar aggregate classification (germline): Benign. Review status: criteria provided, multiple submitters, no conflicts (2 of 4 stars). 2 submissions from 2 submitters: Benign (2). Last evaluated 2018-06-12.

Allele frequency attached by ClinVar (database versions not stated): TOPMed 0.05353; gnomAD 0.06121 and 0.06341; 1000 Genomes Project 30x 0.06230; 1000 Genomes Project 0.06410; gnomAD exomes 0.07655.
gnomAD v4.1: 115,590 of 1,534,994 alleles (7.5%); highest among the groups gnomAD compares: South Asian, 11%; 4,798 homozygotes.

Submissions (2):

GeneDx
Classification: Benign. Last evaluated: 2018-06-12. Review status: criteria provided, single submitter. Criteria: GeneDx Variant Classification (06012015). Collection method: clinical testing. Allele origin: germline. Affected: yes.
Comment: This variant is considered likely benign or benign based on one or more of the following criteria: it is a conservative change, it occurs at a poorly conserved position in the protein, it is predicted to be benign by multiple in silico algorithms, and/or has population frequency not consistent with disease.

Breakthrough Genomics
Classification: Benign. Review status: criteria provided, single submitter. Criteria: ACMG Guidelines, 2015. Collection method: not provided. Allele origin: germline. Inheritance: Autosomal dominant inheritance. Affected: yes.